The following is an entry in ClinVar:

ClinVar aggregate classification (germline): Uncertain significance. Review status: criteria provided, multiple submitters, no conflicts (2 of 4 stars). 2 submissions from 2 submitters: Uncertain significance (2). Last evaluated 2023-09-17.

Conditions:
Hereditary cancer-predisposing syndrome. Also called: Hereditary neoplastic syndrome; Tumor predisposition; Hereditary Cancer Syndrome; Neoplastic Syndromes, Hereditary. Identifiers: Orphanet 140162, MedGen C0027672, MeSH D009386, MONDO:0015356.
Hereditary diffuse gastric adenocarcinoma (HDGC). Also called: DIFFUSE GASTRIC AND LOBULAR BREAST CANCER SYNDROME. Identifiers: Orphanet 26106, MedGen C1708349, MONDO:0007648, OMIM 137215.

Allele frequency attached by ClinVar (database versions not stated): gnomAD exomes below 0.00001.
gnomAD v4.1: 1 of 1,614,220 alleles (0.000062%); highest among the groups gnomAD compares: Non-Finnish European, 0.000085%; no homozygotes.

Submissions (2):

Labcorp Genetics (formerly Invitae), Labcorp
Classification: Uncertain significance for Hereditary diffuse gastric adenocarcinoma. Last evaluated: 2023-09-17. Review status: criteria provided, single submitter. Criteria: Invitae Variant Classification Sherloc (09022015). Collection method: clinical testing. Allele origin: germline.
Comment: This variant has not been reported in the literature in individuals affected with CDH1-related conditions. This variant is not present in population databases (gnomAD no frequency). This sequence change affects codon 522 of the CDH1 mRNA. It is a 'silent' change, meaning that it does not change the encoded amino acid sequence of the CDH1 protein. It affects a nucleotide within the consensus splice site. ClinVar contains an entry for this variant (Variation ID: 576403). In summary, the available evidence is currently insufficient to determine the role of this variant in disease. Therefore, it has been classified as a Variant of Uncertain Significance. Algorithms developed to predict the effect of sequence changes on RNA splicing suggest that this variant is not likely to affect RNA splicing.

Ambry Genetics
Classification: Uncertain significance for Hereditary cancer-predisposing syndrome. Last evaluated: 2022-09-16. Review status: criteria provided, single submitter. Criteria: Ambry Variant Classification Scheme 2023. Collection method: clinical testing. Allele origin: germline.
Comment: The c.1566A>T variant (also known as p.T522T), located in coding exon 11 of the CDH1 gene, results from an A to T substitution at nucleotide position 1566. This nucleotide substitution does not change the at codon 522. However, this change occurs in the first base pair of coding exon 11, which makes it likely to have some effect on normal mRNA splicing. This nucleotide position is poorly conserved in available vertebrate species. In silico splice site analysis predicts that this alteration may weaken the native splice acceptor site. RNA studies have demonstrated that this alteration results in an incomplete splice defect involving exons excluded from naturally occurring transcripts; the clinical impact of this abnormal splicing is unknown at this time (Ambry internal data). Since supporting evidence is limited at this time, the clinical significance of this alteration remains unclear.

NM_004360.5(CDH1):c.1566A>T (p.Thr522=)

Gene: CDH1 (cadherin 1; plus strand). Cytogenetic location: 16q22.1.
Variant type: single nucleotide variant.
Coding change: c.1566A>T on transcript NM_004360.5 (MANE Select); coding-DNA position 1566, A replaced by T.
Protein change: p.Thr522=; no amino-acid change (threonine 522 retained).
Molecular consequence: synonymous variant. On other transcripts: intron variant (1).
Genome position (GRCh38, 1-based): chr16:68,819,280, A>T. VCF-style: chr16-68819280-A-T. GRCh37 (hg19) VCF-style: chr16-68853183-A-T.
Other names: c.1566A>T (LRG_301t1); c.1383A>T, p.Thr461= (NM_001317184.2); c.18A>T, p.Thr6= (NM_001317185.2); c.-254-2721A>T (NM_001317186.2).
Identifiers: ClinVar variation 576403 (VCV000576403.9), dbSNP rs1555516521, ClinGen allele CA496154295.